The following is an entry in ClinVar:

ClinVar aggregate classification (germline): Uncertain significance (1 of 4 stars; one submission).

Conditions:
Creatine transporter deficiency (CCDS1). Also called: Mental retardation , X-linked with seizures, short stature and midface hypoplasia; Mental retardation , X-linked, with creatine transport deficiency; X-linked creatine transporter deficiency; X-linked creatine deficiency syndrome; SLC6A8-Related Creatine Transporter Deficiency; Creatine Transporter (CRTR) Deficiency. Identifiers: Orphanet 52503, MedGen C1845862, MONDO:0010305, OMIM 300352.

Submission:

Labcorp Genetics (formerly Invitae), Labcorp
Classification: Uncertain significance for Creatine transporter deficiency. Last evaluated: 2024-02-26. Review status: criteria provided, single submitter. Criteria: Invitae Variant Classification Sherloc (09022015). Collection method: clinical testing. Allele origin: germline.
Comment: This sequence change replaces tryptophan, which is neutral and slightly polar, with serine, which is neutral and polar, at codon 176 of the SLC6A8 protein (p.Trp176Ser). This variant is not present in population databases (gnomAD no frequency). This variant has not been reported in the literature in individuals affected with SLC6A8-related conditions. ClinVar contains an entry for this variant (Variation ID: 1376534). Advanced modeling of protein sequence and biophysical properties (such as structural, functional, and spatial information, amino acid conservation, physicochemical variation, residue mobility, and thermodynamic stability) has been performed at Invitae for this missense variant, however the output from this modeling did not meet the statistical confidence thresholds required to predict the impact of this variant on SLC6A8 protein function. In summary, the available evidence is currently insufficient to determine the role of this variant in disease. Therefore, it has been classified as a Variant of Uncertain Significance.

NM_005629.4(SLC6A8):c.527G>C (p.Trp176Ser)

Gene: SLC6A8 (solute carrier family 6 member 8; plus strand). Cytogenetic location: Xq28.
Variant type: single nucleotide variant.
Coding change: c.527G>C on transcript NM_005629.4 (MANE Select); coding-DNA position 527, G replaced by C.
Protein change: p.Trp176Ser; replaces tryptophan 176 with serine.
Molecular consequence: missense variant.
Genome position (GRCh38, 1-based): chrX:153,691,436, G>C. VCF-style: chrX-153691436-G-C. GRCh37 (hg19) VCF-style: chrX-152956891-G-C.
Other names: c.527G>C, p.Trp176Ser (NM_001142805.2); c.182G>C, p.Trp61Ser (NM_001142806.1); short protein forms W176S, W61S.
Identifiers: ClinVar variation 1376534 (VCV001376534.6), dbSNP rs2148361058, ClinGen allele CA415078968.